The following is an entry in ClinVar:

NM_144508.5(KNL1):c.3810G>A (p.Ala1270=)

Gene: KNL1 (kinetochore scaffold 1; plus strand). Cytogenetic location: 15q15.1.
Variant type: single nucleotide variant.
Coding change: c.3810G>A on transcript NM_144508.5 (MANE Select); coding-DNA position 3810, G replaced by A.
Protein change: p.Ala1270=; no amino-acid change (alanine 1270 retained).
Molecular consequence: synonymous variant.
Genome position (GRCh38, 1-based): chr15:40,624,074, G>A. VCF-style: chr15-40624074-G-A. GRCh37 (hg19) VCF-style: chr15-40916272-G-A.
Other names: c.3888G>A, p.Ala1296= (NM_170589.5).
Identifiers: ClinVar variation 128582 (VCV000128582.16), dbSNP rs34758606, ClinGen allele CA152152.
Genomic context (GRCh38, chr15:40,624,074, plus strand): 5'-TGCTATGGATGAAAAGGTCATAGGGAAAGTTGTAGACCAGGCCTGTACATTGGAAAAAGC[G>A]CAAGTTGAAAGCTGTCAGTTAAATAATAGAGATAGAAGAAATGTGGACTTTACAAGTAGT-3'
Protein context (NP_653091.3, residues 1260-1280): VVDQACTLEK[Ala1270=]QVESCQLNNR

ClinVar aggregate classification (germline): Benign/Likely benign. Review status: criteria provided, multiple submitters, no conflicts (2 of 4 stars). 5 submissions from 5 submitters: Benign (3); Likely benign (2). Last evaluated 2020-10-14.

Conditions:
Microcephaly 4, primary, autosomal recessive. Identifiers: Orphanet 2512, MedGen C1858516, MONDO:0011437, OMIM 604321.

Allele frequency attached by ClinVar (database versions not stated): gnomAD exomes 0.00297; ExAC 0.00352; gnomAD 0.01128 and 0.01205; ESP Exome Variant Server 0.01133; TOPMed 0.01279; 1000 Genomes Project 0.01358.
gnomAD v4.1: 3,415 of 1,614,016 alleles (0.21%); highest among the groups gnomAD compares: African/African-American, 3.9%; 66 homozygotes.

Submissions (5):

GeneDx
Classification: Likely benign. Last evaluated: 2020-10-14. Review status: criteria provided, single submitter. Criteria: GeneDx Variant Classification Process June 2021. Collection method: clinical testing. Allele origin: germline. Affected: yes.

Labcorp Genetics (formerly Invitae), Labcorp
Classification: Benign. Last evaluated: 2019-12-31. Review status: criteria provided, single submitter. Criteria: Invitae Variant Classification Sherloc (09022015). Collection method: clinical testing. Allele origin: germline.

Illumina Laboratory Services, Illumina
Classification: Benign for Microcephaly 4, primary, autosomal recessive. Last evaluated: 2018-01-13. Review status: criteria provided, single submitter. Criteria: ICSL Variant Classification Criteria 13 December 2019. Collection method: clinical testing. Allele origin: germline.
Comment: This variant was observed in the ICSL laboratory as part of a predisposition screen in an ostensibly healthy population. It had not been previously curated by ICSL or reported in the Human Gene Mutation Database (HGMD: prior to June 1st, 2018), and was therefore a candidate for classification through an automated scoring system. Utilizing variant allele frequency, disease prevalence and penetrance estimates, and inheritance mode, an automated score was calculated to assess if this variant is too frequent to cause the disease. Based on the score and internal cut-off values, a variant classified as benign is not then subjected to further curation. The score for this variant resulted in a classification of benign for this disease.

Genetic Services Laboratory, University of Chicago
Classification: Benign for AllHighlyPenetrant. Last evaluated: 2013-04-16. Review status: criteria provided, single submitter. Criteria: ACMG Guidelines, 2007. Collection method: clinical testing. Allele origin: germline. Inheritance: Autosomal recessive inheritance.

Breakthrough Genomics
Classification: Likely benign. Review status: criteria provided, single submitter. Criteria: ACMG Guidelines, 2015. Collection method: not provided. Allele origin: germline. Inheritance: Autosomal recessive inheritance. Affected: yes.